The following is an entry in ClinVar:

ClinVar aggregate classification (germline): Uncertain significance (1 of 4 stars; one submission).

gnomAD v4.1: 1 of 1,613,466 alleles (0.000062%); no homozygotes.

Submission:

CeGaT Center for Human Genetics Tuebingen
Classification: Uncertain significance. Last evaluated: 2023-01-01. Review status: criteria provided, single submitter. Criteria: CeGaT Center For Human Genetics Tuebingen Variant Classification Criteria Version 2. Collection method: clinical testing. Allele origin: germline. Affected: yes. Observed: 1 variant allele.
Comment: ZBTB20: PM2, PP2, BP4, BP5

NM_001348800.3(ZBTB20):c.2068A>C (p.Thr690Pro)

Gene: ZBTB20 (zinc finger and BTB domain containing 20; minus strand). Cytogenetic location: 3q13.31.
Variant type: single nucleotide variant.
Coding change: c.2068A>C on transcript NM_001348800.3 (MANE Select); coding-DNA position 2068, A replaced by C.
Protein change: p.Thr690Pro; replaces threonine 690 with proline.
Molecular consequence: missense variant. On other transcripts: non-coding transcript variant (1).
Genome position (GRCh38, 1-based): chr3:114,339,163, T>G on the plus strand (A>C on the coding strand, the complement: ZBTB20 is on the minus strand). VCF-style: chr3-114339163-T-G. GRCh37 (hg19) VCF-style: chr3-114058010-T-G.
Other names: c.2068A>C, p.Thr690Pro (NM_001164342.2, NM_001348803.3, NM_001393393.1 and 1 more transcripts); c.1849A>C, p.Thr617Pro (NM_001164343.2, NM_001164344.4, NM_001164345.4 and 9 more transcripts); short protein forms T617P, T690P.
Identifiers: ClinVar variation 2654055 (VCV002654055.24), dbSNP rs779975002, ClinGen allele CA353999607.